The following is an entry in ClinVar:

ClinVar aggregate classification (germline): Uncertain significance. Review status: criteria provided, multiple submitters, no conflicts (2 of 4 stars). 2 submissions from 2 submitters: Uncertain significance (2). Last evaluated 2025-12-30.

Allele frequency attached by ClinVar (database versions not stated): gnomAD 0.00002; TOPMed 0.00003; 1000 Genomes Project 0.00020; 1000 Genomes Project 30x 0.00031.

Submissions (2):

Labcorp Genetics (formerly Invitae), Labcorp
Classification: Uncertain significance. Last evaluated: 2025-12-30. Review status: criteria provided, single submitter. Criteria: Invitae Variant Classification Sherloc (09022015). Collection method: clinical testing. Allele origin: germline.
Comment: This sequence change replaces arginine, which is basic and polar, with cysteine, which is neutral and slightly polar, at codon 200 of the KLHDC8B protein (p.Arg200Cys). This variant is present in population databases (rs529219238, gnomAD 0.02%). This variant has not been reported in the literature in individuals affected with KLHDC8B-related conditions. ClinVar contains an entry for this variant (Variation ID: 2379425). An algorithm developed to predict the effect of missense changes on protein structure and function outputs the following: PolyPhen-2: "Benign". The cysteine amino acid residue is found in multiple mammalian species, which suggests that this missense change does not adversely affect protein function. In summary, the available evidence is currently insufficient to determine the role of this variant in disease. Therefore, it has been classified as a Variant of Uncertain Significance.

Ambry Genetics
Classification: Uncertain significance. Last evaluated: 2022-01-10. Review status: criteria provided, single submitter. Criteria: Ambry Variant Classification Scheme 2023. Collection method: clinical testing. Allele origin: germline.

NM_173546.3(KLHDC8B):c.598C>T (p.Arg200Cys)

Gene: KLHDC8B (kelch domain containing 8B; plus strand). Cytogenetic location: 3p21.31.
Variant type: single nucleotide variant.
Coding change: c.598C>T on transcript NM_173546.3 (MANE Select); coding-DNA position 598, C replaced by T.
Protein change: p.Arg200Cys; replaces arginine 200 with cysteine.
Molecular consequence: missense variant.
Genome position (GRCh38, 1-based): chr3:49,174,798, C>T. VCF-style: chr3-49174798-C-T. GRCh37 (hg19) VCF-style: chr3-49212231-C-T.
Other names: short protein forms R200C.
Identifiers: ClinVar variation 2379425 (VCV002379425.3), dbSNP rs529219238, ClinGen allele CA2395537.